The following is an entry in ClinVar:

NM_001754.5(RUNX1):c.465T>G (p.Val155=)

Genes: RUNX1-AS1 (RUNX1 antisense RNA 1; plus strand), RUNX1 (RUNX family transcription factor 1; minus strand). Cytogenetic location: 21q22.12.
Variant type: single nucleotide variant.
Coding change: c.465T>G on transcript NM_001754.5 (MANE Select); coding-DNA position 465, T replaced by G.
Protein change: p.Val155=; no amino-acid change (valine 155 retained).
Molecular consequence: synonymous variant.
Genome position (GRCh38, 1-based): chr21:34,880,600, A>C on the plus strand (T>G on the coding strand, the complement: RUNX1 is on the minus strand). VCF-style: chr21-34880600-A-C. GRCh37 (hg19) VCF-style: chr21-36252897-A-C.
Other names: NM_001754.5(RUNX1):c.465T>G; p.Val155=; c.384T>G, p.Val128= (NM_001001890.3, NM_001122607.2).
Identifiers: ClinVar variation 1660302 (VCV001660302.9), dbSNP rs2146361304, ClinGen allele CA512318700.

ClinVar aggregate classification (germline): Likely benign. Review status: reviewed by expert panel (3 of 4 stars). 2 submissions from 2 submitters: Likely benign (1). 1 of the submissions does not count toward it. Last evaluated 2024-09-10.

Conditions:
Hereditary thrombocytopenia and hematologic cancer predisposition syndrome. Identifiers: Orphanet 71290, MedGen CN281654, MONDO:0011071.
Hereditary thrombocytopenia and hematological cancer predisposition syndrome associated with RUNX1. Also called: PLATELET DISORDER, ASPIRIN-LIKE; RUNX1 Familial Platelet Disorder with Associated Myeloid Malignancies; Familial Platelet Disorder with Propensity to Acute Myelogenous Leukemia; Familial thrombocytopenia with propensity to acute myelogenous leukemia. Identifiers: Orphanet 71290, MedGen C1832388, MeSH C563324, MONDO:0100083, OMIM 601399.

Submissions (2):

ClinGen Myeloid Malignancy Variant Curation Expert Panel
Classification: Likely benign for Hereditary thrombocytopenia and hematologic cancer predisposition syndrome. Last evaluated: 2024-09-10. Review status: reviewed by expert panel. Criteria: ClinGen MyeloMalig ACMG Specifications v2. Collection method: curation. Allele origin: germline. Inheritance: Autosomal dominant inheritance.
Comment: NM_001754.5(RUNX1):c.465T>G (p.Val155=) is a synonymous variant which has a SpliceAI score ≤ 0.20 (0.03) (BP4). This variant has a SpliceAI score ≤ 0.20 (0.02) and evolutionary conservation algorithms predict the site as not being conserved (PhyloP score ≤ 2.0 (-4.27)) (BP7). This variant is completely absent from all population databases with at least 20x coverage for RUNX1 (PM2_Supporting). In summary, this variant meets criteria to be classified as likely benign. ACMG/AMP criteria applied, as specified by the Myeloid Malignancy Variant Curation Expert Panel for RUNX1: BP4, BP7, PM2_supporting.

Labcorp Genetics (formerly Invitae), Labcorp
Classification: Likely benign for Hereditary thrombocytopenia and hematological cancer predisposition syndrome associated with RUNX1. Last evaluated: 2021-05-19. Review status: criteria provided, single submitter. Criteria: Invitae Variant Classification Sherloc (09022015). Collection method: clinical testing. Allele origin: germline. Not counted in ClinVar's aggregate classification.